The following is an entry in ClinVar:

NM_015425.6(POLR1A):c.1985C>T (p.Thr662Met)

Gene: POLR1A (RNA polymerase I subunit A; minus strand). Cytogenetic location: 2p11.2.
Variant type: single nucleotide variant.
Coding change: c.1985C>T on transcript NM_015425.6 (MANE Select); coding-DNA position 1985, C replaced by T.
Protein change: p.Thr662Met; replaces threonine 662 with methionine.
Molecular consequence: missense variant.
Genome position (GRCh38, 1-based): chr2:86,065,347, G>A on the plus strand (C>T on the coding strand, the complement: POLR1A is on the minus strand). VCF-style: chr2-86065347-G-A. GRCh37 (hg19) VCF-style: chr2-86292470-G-A.
Other names: short protein forms T662M.
Identifiers: ClinVar variation 1972123 (VCV001972123.5), dbSNP rs535691084, ClinGen allele CA1746201.

ClinVar aggregate classification (germline): Uncertain significance (1 of 4 stars; one submission).

Allele frequency attached by ClinVar (database versions not stated): gnomAD 0.00003; TOPMed 0.00004; ExAC 0.00006.
gnomAD v4.1: 72 of 1,614,014 alleles (0.0045%); highest among the groups gnomAD compares: South Asian, 0.0077%; no homozygotes.

Submission:

Labcorp Genetics (formerly Invitae), Labcorp
Classification: Uncertain significance. Last evaluated: 2025-10-21. Review status: criteria provided, single submitter. Criteria: Invitae Variant Classification Sherloc (09022015). Collection method: clinical testing. Allele origin: germline.
Comment: This sequence change replaces threonine, which is neutral and polar, with methionine, which is neutral and non-polar, at codon 662 of the POLR1A protein (p.Thr662Met). This variant is present in population databases (rs535691084, gnomAD 0.02%). This variant has not been reported in the literature in individuals affected with POLR1A-related conditions. ClinVar contains an entry for this variant (Variation ID: 1972123). Invitae Evidence Modeling of protein sequence and biophysical properties (such as structural, functional, and spatial information, amino acid conservation, physicochemical variation, residue mobility, and thermodynamic stability) indicates that this missense variant is not expected to disrupt POLR1A protein function with a negative predictive value of 80%. In summary, the available evidence is currently insufficient to determine the role of this variant in disease. Therefore, it has been classified as a Variant of Uncertain Significance.